The following is an entry in ClinVar:

NM_012330.4(KAT6B):c.4068_4085dup (p.Glu1368_Gly1369insGluGluGluGluGluGlu)

Gene: KAT6B (lysine acetyltransferase 6B; plus strand). Cytogenetic location: 10q22.2.
Variant type: Duplication.
Coding change: c.4068_4085dup on transcript NM_012330.4 (MANE Select); coding-DNA positions 4068 to 4085, 18 bases duplicated (GGAGGAGGAGGAAGAGGA).
Protein change: p.Glu1368_Gly1369insGluGluGluGluGluGlu.
Molecular consequence: inframe insertion.
Genome position (GRCh38, 1-based): chr10:75,028,892-75,028,909, GGAGGAGGAGGAAGAGGA duplicated; duplicating any 18 consecutive bases within chr10:75,028,881-75,028,909 gives the same sequence; the c. name uses the placement nearest the transcript's 3' end. VCF-style (leftmost placement, unchanged base first): chr10-75028880-A-AGAGGAAGAGGAGGAGGAG. GRCh37 (hg19) VCF-style: chr10-76788638-A-AGAGGAAGAGGAGGAGGAG.
Other names: c.3519_3536dup, p.Glu1185_Gly1186insGluGluGluGluGluGlu (NM_001256468.2, NM_001370138.1); c.3192_3209dup, p.Glu1076_Gly1077insGluGluGluGluGluGlu (NM_001256469.2, NM_001370139.1, NM_001370140.1 and 2 more transcripts); c.3030_3047dup, p.Glu1022_Gly1023insGluGluGluGluGluGlu (NM_001370132.1); c.2379_2396dup, p.Glu805_Gly806insGluGluGluGluGluGlu (NM_001370133.1); c.1983_2000dup, p.Glu673_Gly674insGluGluGluGluGluGlu (NM_001370134.1); c.1725_1742dup, p.Glu587_Gly588insGluGluGluGluGluGlu (NM_001370135.1); c.4068_4085dup, p.Glu1368_Gly1369insGluGluGluGluGluGlu (NM_001370136.1, NM_001370137.1); c.3003_3020dup, p.Glu1013_Gly1014insGluGluGluGluGluGlu (NM_001370143.1, NM_001370144.1).
Identifiers: ClinVar variation 2186009 (VCV002186009.4), dbSNP rs2549199356, ClinGen allele CA2580081966.

ClinVar aggregate classification (germline): Uncertain significance (1 of 4 stars; one submission).

Conditions:
Genitopatellar syndrome (GTPTS). Also called: Genitopatellar syndrome (GPS); ABSENT PATELLAE, SCROTAL HYPOPLASIA, RENAL ANOMALIES, FACIAL DYSMORPHISM, AND MENTAL RETARDATION. Identifiers: Orphanet 85201, MedGen C1853566, MONDO:0011640, OMIM 606170.

Submission:

Labcorp Genetics (formerly Invitae), Labcorp
Classification: Uncertain significance for Genitopatellar syndrome. Last evaluated: 2022-05-14. Review status: criteria provided, single submitter. Criteria: Invitae Variant Classification Sherloc (09022015). Collection method: clinical testing. Allele origin: germline.
Comment: This variant, c.4068_4085dup, results in the insertion of 6 amino acid(s) of the KAT6B protein (p.Glu1363_Glu1368dup), but otherwise preserves the integrity of the reading frame. This variant is not present in population databases (gnomAD no frequency). This variant has not been reported in the literature in individuals affected with KAT6B-related conditions. Experimental studies and prediction algorithms are not available or were not evaluated, and the functional significance of this variant is currently unknown. In summary, the available evidence is currently insufficient to determine the role of this variant in disease. Therefore, it has been classified as a Variant of Uncertain Significance.